The following is an entry in ClinVar:

ClinVar aggregate classification (germline): Uncertain significance. Review status: criteria provided, multiple submitters, no conflicts (2 of 4 stars). 2 submissions from 2 submitters: Uncertain significance (2). Last evaluated 2024-03-06.

Conditions:
Arrhythmogenic right ventricular dysplasia 9 (ARVD9). Also called: Arrhythmogenic Right Ventricular Dysplasia/Cardiomyopathy 9; ARRHYTHMOGENIC RIGHT VENTRICULAR DYSPLASIA, FAMILIAL, 9. Identifiers: MedGen C1836906, MONDO:0012180, OMIM 609040.
Cardiomyopathy (CMYO). Also called: Cardiomyopathies. Identifiers: Orphanet 167848, MedGen C0878544, MONDO:0004994, HP:0001638. Inheritance: Various modes of inheritance.

Allele frequency attached by ClinVar (database versions not stated): gnomAD exomes 0.00001.
gnomAD v4.1: 8 of 1,572,686 alleles (0.00051%); highest among the groups gnomAD compares: Non-Finnish European, 0.00068%; no homozygotes.

Submissions (2):

Color Diagnostics, LLC DBA Color Health
Classification: Uncertain significance for Cardiomyopathy. Last evaluated: 2024-03-06. Review status: criteria provided, single submitter. Criteria: ACMG Guidelines, 2015. Collection method: clinical testing. Allele origin: germline.
Comment: This missense variant replaces leucine with glutamine at codon 30 of the PKP2 protein. Computational prediction suggests that this variant may have deleterious impact on protein structure and function (internally defined REVEL score threshold >= 0.7, PMID: 27666373). To our knowledge, functional studies have not been reported for this variant. This variant has not been reported in individuals affected with cardiovascular disorders in the literature. This variant has not been identified in the general population by the Genome Aggregation Database (gnomAD). The available evidence is insufficient to determine the role of this variant in disease conclusively. Therefore, this variant is classified as a Variant of Uncertain Significance.

Labcorp Genetics (formerly Invitae), Labcorp
Classification: Uncertain significance for Arrhythmogenic right ventricular dysplasia 9. Last evaluated: 2021-09-01. Review status: criteria provided, single submitter. Criteria: Invitae Variant Classification Sherloc (09022015). Collection method: clinical testing. Allele origin: germline.
Comment: This sequence change replaces leucine with glutamine at codon 30 of the PKP2 protein (p.Leu30Gln). The leucine residue is highly conserved and there is a moderate physicochemical difference between leucine and glutamine. This variant is not present in population databases (ExAC no frequency). This variant has not been reported in the literature in individuals affected with PKP2-related conditions. Algorithms developed to predict the effect of missense changes on protein structure and function (SIFT, PolyPhen-2, Align-GVGD) all suggest that this variant is likely to be disruptive. In summary, the available evidence is currently insufficient to determine the role of this variant in disease. Therefore, it has been classified as a Variant of Uncertain Significance.

NM_001005242.3(PKP2):c.89T>A (p.Leu30Gln)

Gene: PKP2 (plakophilin 2; minus strand). Cytogenetic location: 12p11.21.
Variant type: single nucleotide variant.
Coding change: c.89T>A on transcript NM_001005242.3 (MANE Select); coding-DNA position 89, T replaced by A.
Protein change: p.Leu30Gln; replaces leucine 30 with glutamine.
Molecular consequence: missense variant.
Genome position (GRCh38, 1-based): chr12:32,896,643, A>T on the plus strand (T>A on the coding strand, the complement: PKP2 is on the minus strand). VCF-style: chr12-32896643-A-T. GRCh37 (hg19) VCF-style: chr12-33049577-A-T.
Other names: c.89T>A, p.Leu30Gln (NM_004572.4); short protein forms L30Q.
Identifiers: ClinVar variation 1015946 (VCV001015946.9), dbSNP rs1957128191, ClinGen allele CA384371485.